The following is an entry in ClinVar:

ClinVar aggregate classification (germline): Likely benign. Review status: criteria provided, multiple submitters, no conflicts (2 of 4 stars). 3 submissions from 3 submitters: Likely benign (3). Last evaluated 2026-05-06.

Conditions:
ACO2-related disorder. Also called: ACO2-Related Disorders.

Allele frequency attached by ClinVar (database versions not stated): ExAC 0.00004; gnomAD exomes 0.00005; TOPMed 0.00005; gnomAD 0.00006.
gnomAD v4.1: 77 of 1,613,224 alleles (0.0048%); highest among the groups gnomAD compares: Middle Eastern, 0.016%; no homozygotes.

Submissions (3):

PreventionGenetics, part of Exact Sciences
Classification: Likely benign for ACO2-related condition. Last evaluated: 2026-05-06. Review status: criteria provided, single submitter. Criteria: ACMG Guidelines, 2015. Collection method: clinical testing. Allele origin: germline.
Comment: This variant is classified as likely benign based on ACMG/AMP sequence variant interpretation guidelines (Richards et al. 2015 PMID: 25741868, with internal and published modifications).

Labcorp Genetics (formerly Invitae), Labcorp
Classification: Likely benign. Last evaluated: 2025-12-03. Review status: criteria provided, single submitter. Criteria: Invitae Variant Classification Sherloc (09022015). Collection method: clinical testing. Allele origin: germline.

Blueprint Genetics
Classification: Likely benign. Last evaluated: 2024-11-22. Review status: criteria provided, single submitter. Criteria: ACMG Guidelines, 2015. Collection method: clinical testing. Allele origin: germline.

NM_001098.3(ACO2):c.836-6C>T

Gene: ACO2 (aconitase 2; plus strand). Cytogenetic location: 22q13.2.
Variant type: single nucleotide variant.
Coding change: c.836-6C>T on transcript NM_001098.3 (MANE Select); 6 bases into the intron before coding-DNA position 836, C replaced by T.
Molecular consequence: intron variant.
Genome position (GRCh38, 1-based): chr22:41,517,521, C>T. VCF-style: chr22-41517521-C-T. GRCh37 (hg19) VCF-style: chr22-41913525-C-T.
Other names: c.836-6C>T (NM_001098.2).
Identifiers: ClinVar variation 1098222 (VCV001098222.11), dbSNP rs764605230, ClinGen allele CA10257481.